The following is an entry in ClinVar:

ClinVar aggregate classification (germline): Pathogenic (0 of 4 stars; one submission).

Conditions:
Waardenburg syndrome type 2A (WS2A). Also called: WAARDENBURG SYNDROME WITHOUT DYSTOPIA CANTHORUM. Identifiers: Orphanet 3440, MedGen C1860339, MONDO:0008671, OMIM 193510.

Submission:

Laboratory of Prof. Karen Avraham, Tel Aviv University
Classification: Pathogenic for Waardenburg syndrome type 2A. Last evaluated: 2016-02-16. Review status: no assertion criteria provided. Collection method: research. Allele origin: germline. Affected: yes.
Comment: Congenital, profound HL

Waardenburg II; dominant, WS2A

NM_001354604.2(MITF):c.1208del (p.Gly403fs)

Gene: MITF (melanocyte inducing transcription factor; plus strand). Cytogenetic location: 3p13.
Variant type: Deletion.
Coding change: c.1208del on transcript NM_001354604.2 (MANE Select); coding-DNA position 1208, one base deleted (G; older notation c.1208delG).
Protein change: p.Gly403fs; shifts the reading frame from glycine 403.
Molecular consequence: frameshift variant.
Genome position (GRCh38, 1-based): chr3:69,964,875, G deleted; the last of 2 consecutive G bases (chr3:69,964,874-69,964,875); deleting either gives the same sequence. VCF-style (leftmost placement, unchanged base first): chr3-69964873-TG-T. GRCh37 (hg19) VCF-style: chr3-70014024-TG-T.
Other names: c.887del, p.Gly296fs (NM_000248.4); c.1034del, p.Gly345fs (NM_001184967.2, NM_001354608.2); c.1205del, p.Gly402fs (NM_001354605.2); c.1187del, p.Gly396fs (NM_001354606.2, NM_006722.3); c.1139del, p.Gly380fs (NM_001354607.2); c.869del, p.Gly290fs (NM_198158.3); c.1190del, p.Gly397fs (NM_198159.3); c.1142del, p.Gly381fs (NM_198177.3); and 1 more; short protein forms G296fs, G345fs, G380fs, G381fs, G403fs, G402fs, G234fs, G290fs.
Identifiers: ClinVar variation 236050 (VCV000236050.1), dbSNP rs878853234, ClinGen allele CA10581502.